The following is an entry in ClinVar:

ClinVar aggregate classification (germline): Likely benign. Review status: criteria provided, single submitter (1 of 4 stars). 2 submissions from 2 submitters: Likely benign (1). 1 of the submissions does not count toward it. Last evaluated 2024-04-17.

Conditions:
RAI1-related disorder. Also called: RAI1-related condition.

Allele frequency attached by ClinVar (database versions not stated): gnomAD exomes below 0.00001 and 0.00002; gnomAD 0.00001; TOPMed 0.00001.
gnomAD v4.1: 8 of 1,613,472 alleles (0.0005%); highest among the groups gnomAD compares: Admixed American, 0.0067%; no homozygotes.

Submissions (2):

Labcorp Genetics (formerly Invitae), Labcorp
Classification: Likely benign. Last evaluated: 2024-04-17. Review status: criteria provided, single submitter. Criteria: Invitae Variant Classification Sherloc (09022015). Collection method: clinical testing. Allele origin: germline.

PreventionGenetics, part of Exact Sciences
Classification: Likely benign for RAI1-related condition. Last evaluated: 2019-05-31. Review status: no assertion criteria provided. Collection method: clinical testing. Allele origin: germline. Not counted in ClinVar's aggregate classification.
Comment: This variant is classified as likely benign based on ACMG/AMP sequence variant interpretation guidelines (Richards et al. 2015 PMID: 25741868, with internal and published modifications).

NM_030665.4(RAI1):c.1938C>T (p.His646=)

Gene: RAI1 (retinoic acid induced 1; plus strand). Cytogenetic location: 17p11.2.
Variant type: single nucleotide variant.
Coding change: c.1938C>T on transcript NM_030665.4 (MANE Select); coding-DNA position 1938, C replaced by T.
Protein change: p.His646=; no amino-acid change (histidine 646 retained).
Molecular consequence: synonymous variant.
Genome position (GRCh38, 1-based): chr17:17,794,886, C>T. VCF-style: chr17-17794886-C-T. GRCh37 (hg19) VCF-style: chr17-17698200-C-T.
Other names: c.1938C>T (NM_030665.3).
Identifiers: ClinVar variation 1612840 (VCV001612840.10), dbSNP rs1228372287, ClinGen allele CA498423786.